The following is an entry in ClinVar:

NM_004036.5(ADCY3):c.802C>T (p.Leu268=)

Gene: ADCY3 (adenylate cyclase 3; minus strand). Cytogenetic location: 2p23.3.
Variant type: single nucleotide variant.
Coding change: c.802C>T on transcript NM_004036.5 (MANE Select); coding-DNA position 802, C replaced by T.
Protein change: p.Leu268=; no amino-acid change (leucine 268 retained).
Molecular consequence: synonymous variant.
Genome position (GRCh38, 1-based): chr2:24,872,593, G>A on the plus strand (C>T on the coding strand, the complement: ADCY3 is on the minus strand). VCF-style: chr2-24872593-G-A. GRCh37 (hg19) VCF-style: chr2-25095462-G-A.
Other names: c.802C>T, p.Leu268= (NM_001320613.2, NM_001377128.1, NM_001377129.1 and 2 more transcripts); c.79C>T, p.Leu27= (NM_001377131.1).
Identifiers: ClinVar variation 4978397 (VCV004978397.1).
Genomic context (GRCh38, chr2:24,872,593, plus strand): 5'-CCCAAGCTCCAGGCCCGAGGCCTCCCGAGAGCCTCACCTGCTGCTGGCTCTGCTCTTCCA[G>A]GTTCATCTTCACCTCCAGCGACTGGCGGGCCTCCAGGAAGGCCTTGCGGTGCTTGCGGTC-3'
Protein context (NP_004027.2, residues 258-278): ARQSLEVKMN[Leu268=]EEQSQQQENL

ClinVar aggregate classification (germline): Likely benign (1 of 4 stars; one submission).

Conditions:
ADCY3-related disorder. Also called: ADCY3-related condition.

Submission:

PreventionGenetics, part of Exact Sciences
Classification: Likely benign for ADCY3-related condition. Last evaluated: 2026-02-20. Review status: criteria provided, single submitter. Criteria: ACMG Guidelines, 2015. Collection method: clinical testing. Allele origin: germline.
Comment: This variant is classified as likely benign based on ACMG/AMP sequence variant interpretation guidelines (Richards et al. 2015 PMID: 25741868, with internal and published modifications).